The following is an entry in ClinVar:

NM_052854.4(CREB3L1):c.1060C>T (p.Gln354Ter)

Gene: CREB3L1 (cAMP responsive element binding protein 3 like 1; plus strand). Cytogenetic location: 11p11.2.
Variant type: single nucleotide variant.
Coding change: c.1060C>T on transcript NM_052854.4 (MANE Select); coding-DNA position 1060, C replaced by T.
Protein change: p.Gln354Ter; replaces glutamine 354 with a stop codon.
Molecular consequence: nonsense. On other transcripts: non-coding transcript variant (1).
Genome position (GRCh38, 1-based): chr11:46,316,314, C>T. VCF-style: chr11-46316314-C-T. GRCh37 (hg19) VCF-style: chr11-46337865-C-T.
Other names: c.1060C>T, p.Gln354Ter (NM_001425266.1); c.1054C>T, p.Gln352Ter (NM_001425267.1); c.922C>T, p.Gln308Ter (NM_001425268.1); c.796C>T, p.Gln266Ter (NM_001425269.1); short protein forms Q266*, Q352*, Q354*, Q308*.
Identifiers: ClinVar variation 3644421 (VCV003644421.2).

ClinVar aggregate classification (germline): Pathogenic (1 of 4 stars; one submission).

Submission:

Labcorp Genetics (formerly Invitae), Labcorp
Classification: Pathogenic. Last evaluated: 2024-04-16. Review status: criteria provided, single submitter. Criteria: Invitae Variant Classification Sherloc (09022015). Collection method: clinical testing. Allele origin: germline.
Comment: This sequence change creates a premature translational stop signal (p.Gln354*) in the CREB3L1 gene. It is expected to result in an absent or disrupted protein product. Loss-of-function variants in CREB3L1 are known to be pathogenic (PMID: 19767743, 29936144, 31207160). This variant is not present in population databases (gnomAD no frequency). This variant has not been reported in the literature in individuals affected with CREB3L1-related conditions. For these reasons, this variant has been classified as Pathogenic.

Literature cited by the submitters: PubMed 19767743; PubMed 29936144; PubMed 31207160.